The following is an entry in ClinVar:

NM_001142864.4(PIEZO1):c.6754-6A>G

Gene: PIEZO1 (piezo type mechanosensitive ion channel component 1 (Er blood group); minus strand). Cytogenetic location: 16q24.3.
Variant type: single nucleotide variant.
Coding change: c.6754-6A>G on transcript NM_001142864.4 (MANE Select); 6 bases into the intron before coding-DNA position 6754, A replaced by G.
Molecular consequence: intron variant.
Genome position (GRCh38, 1-based): chr16:88,716,737, T>C on the plus strand (A>G on the coding strand, the complement: PIEZO1 is on the minus strand). VCF-style: chr16-88716737-T-C. GRCh37 (hg19) VCF-style: chr16-88783145-T-C.
Identifiers: ClinVar variation 5040510 (VCV005040510.1).

ClinVar aggregate classification (germline): Likely benign (1 of 4 stars; one submission).

gnomAD v4.1: 1 of 1,548,118 alleles (0.000065%); highest among the groups gnomAD compares: Admixed American, 0.002%; no homozygotes.

Submission:

CeGaT Center for Human Genetics Tuebingen
Classification: Likely benign. Last evaluated: 2026-07-01. Review status: criteria provided, single submitter. Criteria: CeGaT Center For Human Genetics Tuebingen Variant Classification Criteria Version 2. Collection method: clinical testing. Allele origin: germline. Affected: yes. Observed: 1 variant allele.
Comment: PIEZO1: BP4